The following is an entry in ClinVar:

ClinVar aggregate classification (germline): Benign/Likely benign. Review status: criteria provided, multiple submitters, no conflicts (2 of 4 stars). 4 submissions from 4 submitters: Benign (1); Likely benign (3). Last evaluated 2025-10-03.

Conditions:
SEC63-related disorder. Also called: SEC63-related condition.
Polycystic liver disease 2 (PCLD2). Also called: Polycystic liver disease 2 with or without kidney cysts. Identifiers: Orphanet 2924, MedGen C4310769, MONDO:0014860, OMIM 617004.

Allele frequency attached by ClinVar (database versions not stated): gnomAD exomes 0.00006 and 0.00019; ExAC 0.00026; TOPMed 0.00063; gnomAD 0.00068 and 0.00071; ESP Exome Variant Server 0.00077; 1000 Genomes Project 0.00120; 1000 Genomes Project 30x 0.00156.
gnomAD v4.1: 188 of 1,613,826 alleles (0.012%); highest among the groups gnomAD compares: African/African-American, 0.23%; 1 homozygote.

Submissions (4):

Labcorp Genetics (formerly Invitae), Labcorp
Classification: Benign. Last evaluated: 2025-10-03. Review status: criteria provided, single submitter. Criteria: Invitae Variant Classification Sherloc (09022015). Collection method: clinical testing. Allele origin: germline.

PreventionGenetics, part of Exact Sciences
Classification: Likely benign for SEC63-related condition. Last evaluated: 2025-01-26. Review status: criteria provided, single submitter. Criteria: ACMG Guidelines, 2015. Collection method: clinical testing. Allele origin: germline.
Comment: This variant is classified as likely benign based on ACMG/AMP sequence variant interpretation guidelines (Richards et al. 2015 PMID: 25741868, with internal and published modifications).

Blueprint Genetics
Classification: Likely benign. Last evaluated: 2023-12-05. Review status: criteria provided, single submitter. Criteria: ACMG Guidelines, 2015. Collection method: clinical testing. Allele origin: germline.

Fulgent Genetics
Classification: Likely benign for Polycystic liver disease 2. Last evaluated: 2022-01-25. Review status: criteria provided, single submitter. Criteria: ACMG Guidelines, 2015. Collection method: clinical testing. Allele origin: unknown.

NM_007214.5(SEC63):c.1441-4C>G

Gene: SEC63 (SEC63 protein translocation regulator; minus strand). Cytogenetic location: 6q21.
Variant type: single nucleotide variant.
Coding change: c.1441-4C>G on transcript NM_007214.5 (MANE Select); 4 bases into the intron before coding-DNA position 1441, C replaced by G.
Molecular consequence: intron variant.
Genome position (GRCh38, 1-based): chr6:107,893,901, G>C on the plus strand (C>G on the coding strand, the complement: SEC63 is on the minus strand). VCF-style: chr6-107893901-G-C. GRCh37 (hg19) VCF-style: chr6-108215105-G-C.
Identifiers: ClinVar variation 786096 (VCV000786096.12), dbSNP rs200112157, ClinGen allele CA3947375.